The following is an entry in ClinVar:

ClinVar aggregate classification (germline): Likely pathogenic (1 of 4 stars; one submission).

Conditions:
Johanson-Blizzard syndrome (JBS). Also called: Nasal alar hypoplasia, hypothyroidism, pancreatic achylia and congenital deafness. Identifiers: Orphanet 2315, MedGen C0175692, MONDO:0009479, OMIM 243800.

Submission:

Laboratory for Molecular Medicine, Mass General Brigham Personalized Medicine
Classification: Likely pathogenic for Johanson-Blizzard syndrome. Last evaluated: 2014-04-17. Review status: criteria provided, single submitter. Criteria: ACMG Guidelines, 2015. Collection method: clinical testing. Allele origin: germline. Inheritance: Autosomal recessive inheritance.
Comment: The 2840-1G>A variant in UBR1 has not been previously reported by our laboratory, in the literature, or in large population studies. This variant occurs in the invariant region (+/- 1,2) of the splice consensus sequence and is predicted to cause altered splicing leading to an abnormal or absent protein. Complete loss of UBR1 function is an established disease mechanism in Johanson-Blizzard syndrome (Zenker 2005, Alkouri 2008, Al-Dosari 2008, Elting 2008, Hwang 2011, Fallahi 2011). In summary, this variant is likely pathogenic, though additional studies are required to fully establish its clinical significance.

Literature cited by the submitters: PubMed 16311597; PubMed 20556423; PubMed 21931868; PubMed 19058315; PubMed 18553553; PubMed 19006206.

NM_174916.3(UBR1):c.2840-1G>A

Gene: UBR1 (ubiquitin protein ligase E3 component n-recognin 1; minus strand). Cytogenetic location: 15q15.2.
Variant type: single nucleotide variant.
Coding change: c.2840-1G>A on transcript NM_174916.3 (MANE Select); the canonical splice acceptor site of the intron before coding-DNA position 2840, G replaced by A.
Molecular consequence: splice acceptor variant.
Genome position (GRCh38, 1-based): chr15:43,021,376, C>T on the plus strand (G>A on the coding strand, the complement: UBR1 is on the minus strand). VCF-style: chr15-43021376-C-T. GRCh37 (hg19) VCF-style: chr15-43313574-C-T.
Identifiers: ClinVar variation 3076002 (VCV003076002.1), dbSNP rs2542967186, ClinGen allele CA392065081.